The following is an entry in ClinVar:

ClinVar aggregate classification (germline): Pathogenic (1 of 4 stars; one submission).

Conditions:
Melanoma, cutaneous malignant, susceptibility to, 8. Also called: Cutaneous malignant melanoma 8; MELANOMA AND RENAL CELL CARCINOMA, SUSCEPTIBILITY TO. Identifiers: Orphanet 293822, MedGen C3152204, MONDO:0013759, OMIM 614456.
Waardenburg syndrome type 2A (WS2A). Also called: WAARDENBURG SYNDROME WITHOUT DYSTOPIA CANTHORUM. Identifiers: Orphanet 3440, MedGen C1860339, MONDO:0008671, OMIM 193510.
Tietz syndrome (TADS). Also called: TIETZ ALBINISM-DEAFNESS SYNDROME; HYPOPIGMENTATION/DEAFNESS OF TIETZ; ALBINISM-DEAFNESS OF TIETZ. Identifiers: Orphanet 42665, MedGen C0391816, MONDO:0007077, OMIM 103500.

Submission:

Labcorp Genetics (formerly Invitae), Labcorp
Classification: Pathogenic for Melanoma, cutaneous malignant, susceptibility to, 8; Waardenburg syndrome type 2A; Tietz syndrome. Last evaluated: 2022-01-02. Review status: criteria provided, single submitter. Criteria: Invitae Variant Classification Sherloc (09022015). Collection method: clinical testing. Allele origin: germline.
Comment: For these reasons, this variant has been classified as Pathogenic. This variant has not been reported in the literature in individuals affected with MITF-related conditions. This variant is a gross deletion of the genomic region encompassing exon(s) 1-4 of the MITF gene, which includes the initiator codon. This deletion extends beyond the assayed region for this gene and therefore may encompass additional genes. It is expected to result in an absent or disrupted protein product. Loss-of-function variants in MITF are known to be pathogenic (PMID: 8659547, 20127975).

Literature cited by the submitters: PubMed 8659547; PubMed 20127975.

NC_000003.11:g.(?_69985874)_(69990502_?)del

Gene: MITF (melanocyte inducing transcription factor; plus strand). Cytogenetic location: 3p13.
Variant type: Deletion.
Identifiers: ClinVar variation 2422630 (VCV002422630.4).